The following is an entry in ClinVar:

NM_024757.5(EHMT1):c.3241C>T (p.Arg1081Cys)

Gene: EHMT1 (euchromatic histone lysine methyltransferase 1; plus strand). Cytogenetic location: 9q34.3.
Variant type: single nucleotide variant.
Coding change: c.3241C>T on transcript NM_024757.5 (MANE Select); coding-DNA position 3241, C replaced by T.
Protein change: p.Arg1081Cys; replaces arginine 1081 with cysteine.
Molecular consequence: missense variant.
Genome position (GRCh38, 1-based): chr9:137,814,491, C>T. VCF-style: chr9-137814491-C-T. GRCh37 (hg19) VCF-style: chr9-140708943-C-T.
Other names: c.3220C>T, p.Arg1074Cys (NM_001354263.2); short protein forms R1074C, R1081C.
Identifiers: ClinVar variation 2430457 (VCV002430457.5), dbSNP rs779839306, ClinGen allele CA5375221.

ClinVar aggregate classification (germline): Conflicting classifications of pathogenicity. Review status: criteria provided, conflicting classifications (1 of 4 stars). 3 submissions from 3 submitters: Uncertain significance (2); Likely benign (1). Last evaluated 2025-12-15.

Conditions:
Kleefstra syndrome 1 (KLEFS1). Identifiers: Orphanet 261494, MedGen C0795833, MONDO:0027407, OMIM 610253.
Inborn genetic diseases. Identifiers: MedGen C0950123, MeSH D030342.

Allele frequency attached by ClinVar (database versions not stated): gnomAD exomes 0.00001; TOPMed 0.00002; ExAC 0.00004; gnomAD 0.00004.
gnomAD v4.1: 21 of 1,607,588 alleles (0.0013%); highest among the groups gnomAD compares: African/African-American, 0.008%; no homozygotes.

Submissions (3):

Ambry Genetics
Classification: Likely benign for Inborn genetic diseases. Last evaluated: 2025-12-15. Review status: criteria provided, single submitter. Criteria: Ambry Variant Classification Scheme 2023. Collection method: clinical testing. Allele origin: germline.

Labcorp Genetics (formerly Invitae), Labcorp
Classification: Uncertain significance for Kleefstra syndrome 1. Last evaluated: 2025-02-07. Review status: criteria provided, single submitter. Criteria: Invitae Variant Classification Sherloc (09022015). Collection method: clinical testing. Allele origin: germline.
Comment: This sequence change replaces arginine, which is basic and polar, with cysteine, which is neutral and slightly polar, at codon 1081 of the EHMT1 protein (p.Arg1081Cys). The frequency data for this variant in the population databases is considered unreliable, as metrics indicate poor data quality at this position in the gnomAD database. This variant has not been reported in the literature in individuals affected with EHMT1-related conditions. ClinVar contains an entry for this variant (Variation ID: 2430457). Invitae Evidence Modeling of protein sequence and biophysical properties (such as structural, functional, and spatial information, amino acid conservation, physicochemical variation, residue mobility, and thermodynamic stability) indicates that this missense variant is not expected to disrupt EHMT1 protein function with a negative predictive value of 80%. In summary, the available evidence is currently insufficient to determine the role of this variant in disease. Therefore, it has been classified as a Variant of Uncertain Significance.

GeneDx
Classification: Uncertain significance. Last evaluated: 2022-08-17. Review status: criteria provided, single submitter. Criteria: GeneDx Variant Classification Process June 2021. Collection method: clinical testing. Allele origin: germline. Affected: yes.
Comment: In silico analysis supports that this missense variant has a deleterious effect on protein structure/function; Has not been previously published as pathogenic or benign to our knowledge